The following is an entry in ClinVar:

NM_000277.3(PAH):c.506G>C (p.Arg169Pro)

Gene: PAH (phenylalanine hydroxylase; minus strand). Cytogenetic location: 12q23.2.
Variant type: single nucleotide variant.
Coding change: c.506G>C on transcript NM_000277.3 (MANE Select); coding-DNA position 506, G replaced by C.
Protein change: p.Arg169Pro; replaces arginine 169 with proline.
Molecular consequence: missense variant.
Genome position (GRCh38, 1-based): chr12:102,866,599, C>G on the plus strand (G>C on the coding strand, the complement: PAH is on the minus strand). VCF-style: chr12-102866599-C-G. GRCh37 (hg19) VCF-style: chr12-103260377-C-G.
Other names: c.506G>C, p.Arg169Pro (NM_001354304.2); short protein forms R169P.
Identifiers: ClinVar variation 446524 (VCV000446524.5), dbSNP rs199475679, ClinGen allele CA386299458.

ClinVar aggregate classification (germline): Uncertain significance. Review status: reviewed by expert panel (3 of 4 stars). 3 submissions from 3 submitters: Uncertain significance (1). 2 of the submissions do not count toward it. Last evaluated 2021-03-26.

Conditions:
Phenylketonuria (PKU). Also called: Phenylketonuria (PKU); FOLLING DISEASE; OLIGOPHRENIA PHENYLPYRUVICA; Phenylketonurias. Identifiers: Orphanet 716, MedGen C0031485, MONDO:0009861, OMIM 261600. Disease mechanism: loss of function.

Submissions (3):

ClinGen PAH Variant Curation Expert Panel
Classification: Uncertain significance for Phenylketonuria. Last evaluated: 2021-03-26. Review status: reviewed by expert panel. Criteria: ClinGen PAH ACMG Specifications v1. Collection method: curation. Allele origin: germline. Inheritance: Autosomal recessive inheritance.
Comment: The c.506G>C (p.Arg169Pro) variant in PAH is reported as Likely Pathogenic by one clinical laboratory in ClinVar (see variant ID 446524); no further information is provided. At the time of review, the variant does not appear to be reported in the published literature and/or in the BioPKU database. The variant is predicted damaging by multiple lines of computational evidence (PP3). It is absent in gnomAD (PM2). Other missense variants at this site are pathogenic/likely pathogenic â€“ p.Arg169Ser (variant ID 932262), p.Arg169His (variant ID 102706), p.Arg169Gly (variant ID 551103), and p.Arg169Cys (variant ID 125436) (PM5). In summary, this variant meets criteria to be classified as uncertain significance for PAH. PAH-specific ACMG/AMP criteria applied: PM2, PM5, PP3.

Natera, Inc.
Classification: Likely pathogenic for Phenylketonuria. Last evaluated: 2025-07-14. Review status: criteria provided, single submitter. Criteria: Natera Variant Classification Schema (03/2026). Collection method: clinical testing. Allele origin: germline. Not counted in ClinVar's aggregate classification.
Comment: The c.506G>C variant in PAH is a missense variant predicted to cause substitution of arginine to proline at amino acid 169. This variant is rare in the general population with a frequency below the threshold expected for the associated phenotype(s). This variant has been observed in one or more individuals affected with the associated recessive disease, as either homozygous or compound heterozygous with a second variant (PMID: 35690318, 35690318, 32069237). A different variant at the same position has been determined to be Pathogenic or Likely Pathogenic. Computational prediction algorithms indicate this variant is likely to affect gene or protein function. Given the available evidence, this variant is classified as Likely Pathogenic.

Medical Genetics Center, Academic Academic Center for Education, Culture and Research (ACECR), Khorasan Razavi
Classification: Likely pathogenic for Phenylketonuria. Last evaluated: 2017-10-18. Review status: no assertion criteria provided. Collection method: clinical testing. Allele origin: inherited. Inheritance: Autosomal recessive inheritance. Affected: yes. Observed: 1 variant allele, 1 compound heterozygote. Not counted in ClinVar's aggregate classification.

Literature cited by the submitters: PubMed 35690318 (cited by Natera, Inc.); PubMed 32069237 (cited by Natera, Inc.).